The following is an entry in ClinVar:

NM_014112.5(TRPS1):c.1154C>A (p.Ala385Glu)

Gene: TRPS1 (transcriptional repressor GATA binding 1; minus strand). Cytogenetic location: 8q23.3.
Variant type: single nucleotide variant.
Coding change: c.1154C>A on transcript NM_014112.5 (MANE Select); coding-DNA position 1154, C replaced by A.
Protein change: p.Ala385Glu; replaces alanine 385 with glutamic acid.
Molecular consequence: missense variant.
Genome position (GRCh38, 1-based): chr8:115,604,815, G>T on the plus strand (C>A on the coding strand, the complement: TRPS1 is on the minus strand). VCF-style: chr8-115604815-G-T. GRCh37 (hg19) VCF-style: chr8-116617042-G-T.
Other names: c.1127C>A, p.Ala376Glu (NM_001282902.3); c.1133C>A, p.Ala378Glu (NM_001282903.3); c.1115C>A, p.Ala372Glu (NM_001330599.2); short protein forms A372E, A376E, A378E, A385E.
Identifiers: ClinVar variation 2089647 (VCV002089647.4), dbSNP rs745786131, ClinGen allele CA4851872.

ClinVar aggregate classification (germline): Uncertain significance (1 of 4 stars; one submission).

Conditions:
Trichorhinophalangeal dysplasia type I (TRPS1). Also called: TRICHORHINOPHALANGEAL SYNDROME, TYPE I; TRPS I. Identifiers: Orphanet 77258, MedGen C0432233, MONDO:0008596, OMIM 190350.
Trichorhinophalangeal syndrome, type III (TRPS3). Also called: SUGIO-KAJII SYNDROME. Identifiers: Orphanet 77258, MedGen C1860823, OMIM 190351, MONDO:0008597.

gnomAD v4.1: 3 of 1,613,934 alleles (0.00019%); highest among the groups gnomAD compares: South Asian, 0.0033%; no homozygotes.

Submission:

Labcorp Genetics (formerly Invitae), Labcorp
Classification: Uncertain significance for Trichorhinophalangeal syndrome, type III; Trichorhinophalangeal dysplasia type I. Last evaluated: 2024-02-24. Review status: criteria provided, single submitter. Criteria: Invitae Variant Classification Sherloc (09022015). Collection method: clinical testing. Allele origin: germline.
Comment: This sequence change replaces alanine, which is neutral and non-polar, with glutamic acid, which is acidic and polar, at codon 385 of the TRPS1 protein (p.Ala385Glu). This variant is present in population databases (rs745786131, gnomAD 0.003%). This variant has not been reported in the literature in individuals affected with TRPS1-related conditions. ClinVar contains an entry for this variant (Variation ID: 2089647). Advanced modeling of protein sequence and biophysical properties (such as structural, functional, and spatial information, amino acid conservation, physicochemical variation, residue mobility, and thermodynamic stability) performed at Invitae indicates that this missense variant is not expected to disrupt TRPS1 protein function with a negative predictive value of 80%. In summary, the available evidence is currently insufficient to determine the role of this variant in disease. Therefore, it has been classified as a Variant of Uncertain Significance.